The following is an entry in ClinVar:

ClinVar aggregate classification (germline): Benign/Likely benign. Review status: criteria provided, multiple submitters, no conflicts (2 of 4 stars). 4 submissions from 4 submitters: Benign (2); Likely benign (1). 1 of the submissions does not count toward it. Last evaluated 2024-11-27.

Conditions:
LMF1-related disorder. Also called: LMF1-related condition.

Allele frequency attached by ClinVar (database versions not stated): 1000 Genomes Project 0.04732; 1000 Genomes Project 30x 0.04997; gnomAD exomes 0.06477; TOPMed 0.06611; gnomAD 0.07261 and 0.07397; ExAC 0.07470.
gnomAD v4.1: 123,530 of 1,480,490 alleles (8.3%); highest among the groups gnomAD compares: Non-Finnish European, 9.2%; 5,645 homozygotes.

Submissions (4):

Blueprint Genetics
Classification: Likely benign. Last evaluated: 2024-11-27. Review status: criteria provided, single submitter. Criteria: ACMG Guidelines, 2015. Collection method: clinical testing. Allele origin: germline.

GeneDx
Classification: Benign. Last evaluated: 2018-08-30. Review status: criteria provided, single submitter. Criteria: GeneDx Variant Classification Process June 2021. Collection method: clinical testing. Allele origin: germline. Affected: yes.

Breakthrough Genomics
Classification: Benign. Review status: criteria provided, single submitter. Criteria: ACMG Guidelines, 2015. Collection method: not provided. Allele origin: germline. Inheritance: Autosomal recessive inheritance. Affected: yes.

PreventionGenetics, part of Exact Sciences
Classification: Benign for LMF1-related condition. Last evaluated: 2019-04-04. Review status: no assertion criteria provided. Collection method: clinical testing. Allele origin: germline. Not counted in ClinVar's aggregate classification.
Comment: This variant is classified as benign based on ACMG/AMP sequence variant interpretation guidelines (Richards et al. 2015 PMID: 25741868, with internal and published modifications).

NM_022773.4(LMF1):c.514+241C>G

Genes: LMF1 (lipase maturation factor 1; minus strand), LMF1-AS1 (LMF1 antisense RNA 1; plus strand). Cytogenetic location: 16p13.3.
Variant type: single nucleotide variant.
Coding change: c.514+241C>G on transcript NM_022773.4 (MANE Select); 241 bases into the intron after coding-DNA position 514, C replaced by G.
Molecular consequence: intron variant. On other transcripts: non-coding transcript variant (2), missense variant (1).
Genome position (GRCh38, 1-based): chr16:934,003, G>C on the plus strand (C>G on the coding strand, the complement: LMF1 is on the minus strand). VCF-style: chr16-934003-G-C. GRCh37 (hg19) VCF-style: chr16-984003-G-C.
Other names: c.103C>G (NM_001352018.1); c.103C>G, p.Arg35Gly (NM_001352018.2); c.187+241C>G (NM_001352019.2); c.-290+241C>G (NM_001352017.2); c.514+241C>G (NM_001352020.1); c.-138+187C>G (NM_001352021.2); short protein forms R35G.
Identifiers: ClinVar variation 1271022 (VCV001271022.5), dbSNP rs73483808, ClinGen allele CA7797504.